The following is an entry in ClinVar:

ClinVar aggregate classification (germline): Pathogenic (1 of 4 stars; one submission).

Submission:

Labcorp Genetics (formerly Invitae), Labcorp
Classification: Pathogenic. Last evaluated: 2021-10-21. Review status: criteria provided, single submitter. Criteria: Invitae Variant Classification Sherloc (09022015). Collection method: clinical testing. Allele origin: germline.
Comment: This sequence change affects a donor splice site in intron 8 of the CHM gene. It is expected to disrupt RNA splicing. Variants that disrupt the donor or acceptor splice site typically lead to a loss of protein function (PMID: 16199547), and loss-of-function variants in CHM are known to be pathogenic (PMID: 9067750, 23811034). This variant is not present in population databases (gnomAD no frequency). Disruption of this splice site has been observed in individual(s) with choroideremia (PMID: 24913019, 30995293). Algorithms developed to predict the effect of sequence changes on RNA splicing suggest that this variant may disrupt the consensus splice site. For these reasons, this variant has been classified as Pathogenic.

Literature cited by the submitters: PubMed 16199547; PubMed 9067750; PubMed 23811034; PubMed 24913019; PubMed 30995293.

NM_000390.4(CHM):c.1166+2T>G

Gene: CHM (CHM Rab escort protein; minus strand). Cytogenetic location: Xq21.2.
Variant type: single nucleotide variant.
Coding change: c.1166+2T>G on transcript NM_000390.4 (MANE Select); the canonical splice donor site of the intron after coding-DNA position 1166, T replaced by G.
Molecular consequence: splice donor variant.
Genome position (GRCh38, 1-based): chrX:85,956,151, A>C on the plus strand (T>G on the coding strand, the complement: CHM is on the minus strand). VCF-style: chrX-85956151-A-C. GRCh37 (hg19) VCF-style: chrX-85211156-A-C.
Other names: c.722+2T>G (NM_001362519.1, NM_001362517.1, NM_001320959.1 and 1 more transcripts).
Identifiers: ClinVar variation 1390721 (VCV001390721.6), dbSNP rs2147662902, ClinGen allele CA413784698.